The following is an entry in ClinVar:

NM_024529.5(CDC73):c.237+4A>G

Gene: CDC73 (cell division cycle 73; plus strand). Cytogenetic location: 1q31.2.
Variant type: single nucleotide variant.
Coding change: c.237+4A>G on transcript NM_024529.5 (MANE Select); 4 bases into the intron after coding-DNA position 237, A replaced by G.
Molecular consequence: intron variant.
Genome position (GRCh38, 1-based): chr1:193,125,221, A>G. VCF-style: chr1-193125221-A-G. GRCh37 (hg19) VCF-style: chr1-193094351-A-G.
Identifiers: ClinVar variation 3614256 (VCV003614256.2).
Genomic context (GRCh38, chr1:193,125,221, plus strand): 5'-TTATTTCTACTTAATAACGTGCACCTTTCTCATCCTGTTTATGTCCGACGTGCAGCTGTA[A>G]GTAGAATTCATTTTACTTATCTATCTATTTATCAGTTTTATTTTTATTTATTTAAGAGAC-3'

ClinVar aggregate classification (germline): Uncertain significance (1 of 4 stars; one submission).

Conditions:
Parathyroid carcinoma (PRTC). Also called: Parathyroid gland carcinoma; CDC73-Related Parathyroid Carcinoma. Identifiers: Orphanet 143, MedGen C0687150, MONDO:0012004, OMIM 608266, HP:0006780.

Submission:

Labcorp Genetics (formerly Invitae), Labcorp
Classification: Uncertain significance for Parathyroid carcinoma. Last evaluated: 2024-04-29. Review status: criteria provided, single submitter. Criteria: Invitae Variant Classification Sherloc (09022015). Collection method: clinical testing. Allele origin: germline.
Comment: This sequence change falls in intron 2 of the CDC73 gene. It does not directly change the encoded amino acid sequence of the CDC73 protein. It affects a nucleotide within the consensus splice site. This variant is not present in population databases (gnomAD no frequency). This variant has not been reported in the literature in individuals affected with CDC73-related conditions. Variants that disrupt the consensus splice site are a relatively common cause of aberrant splicing (PMID: 17576681, 9536098). Algorithms developed to predict the effect of sequence changes on RNA splicing suggest that this variant may disrupt the consensus splice site. In summary, the available evidence is currently insufficient to determine the role of this variant in disease. Therefore, it has been classified as a Variant of Uncertain Significance.

Literature cited by the submitters: PubMed 17576681; PubMed 9536098.